The following is an entry in ClinVar:

NM_001170629.2(CHD8):c.-1G>A

Gene: CHD8 (chromodomain helicase DNA binding protein 8; minus strand). Cytogenetic location: 14q11.2.
Variant type: single nucleotide variant.
Coding change: c.-1G>A on transcript NM_001170629.2 (MANE Select); 1 bases upstream of the start codon, G replaced by A.
Molecular consequence: 5 prime UTR variant. On other transcripts: intron variant (1).
Genome position (GRCh38, 1-based): chr14:21,431,644, C>T on the plus strand (G>A on the coding strand, the complement: CHD8 is on the minus strand). VCF-style: chr14-21431644-C-T. GRCh37 (hg19) VCF-style: chr14-21899803-C-T.
Other names: c.6+167G>A (NM_020920.4).
Identifiers: ClinVar variation 1343869 (VCV001343869.4), dbSNP rs375043337, ClinGen allele CA257558752.

ClinVar aggregate classification (germline): Uncertain significance. Review status: criteria provided, multiple submitters, no conflicts (2 of 4 stars). 2 submissions from 2 submitters: Uncertain significance (2). Last evaluated 2022-02-25.

Conditions:
Inborn genetic diseases. Identifiers: MedGen C0950123, MeSH D030342.

Allele frequency attached by ClinVar (database versions not stated): TOPMed below 0.00001; gnomAD 0.00001; gnomAD exomes 0.00001.
gnomAD v4.1: 4 of 1,543,828 alleles (0.00026%); highest among the groups gnomAD compares: East Asian, 0.0024%; no homozygotes.

Submissions (2):

GeneDx
Classification: Uncertain significance. Last evaluated: 2022-02-25. Review status: criteria provided, single submitter. Criteria: GeneDx Variant Classification Process June 2021. Collection method: clinical testing. Allele origin: germline. Affected: yes.
Comment: Nucleotide substitution has no predicted effect on splicing and is not conserved across species; Variant located in the Kozak sequence just upstream of the ATG translational start site, which plays a major role in the initiation of translation; however, in the absence of RNA/functional studies, the actual effect of this sequence change in this individual is unknown.; Has not been previously published as pathogenic or benign to our knowledge

Ambry Genetics
Classification: Uncertain significance for Inborn genetic diseases. Last evaluated: 2019-09-10. Review status: criteria provided, single submitter. Criteria: Ambry Variant Classification Scheme 2023. Collection method: clinical testing. Allele origin: germline.
Comment: The c.-1G>A variant is located in the 5' untranslated region (5&rsquo; UTR) of the CHD8 gene. This variant results from a G to A substitution 1 nucleotide upstream from the first translated codon. This nucleotide position is not well conserved in available vertebrate species. Since supporting evidence is limited at this time, the clinical significance of this alteration remains unclear.